The following is an entry in ClinVar:

ClinVar aggregate classification (germline): Likely benign. Review status: criteria provided, single submitter (1 of 4 stars). 2 submissions from 2 submitters: Likely benign (1). 1 of the submissions does not count toward it. Last evaluated 2023-01-13.

Conditions:
UNC13D-related disorder. Also called: UNC13D-related condition.
Familial hemophagocytic lymphohistiocytosis 3 (FHL3). Also called: UNC13D-Related Familial Hemophagocytic Lymphohistiocytosis (UNC13D-fHLH). Identifiers: Orphanet 540, MedGen C1837174, MONDO:0012146, OMIM 608898.

Submissions (2):

Labcorp Genetics (formerly Invitae), Labcorp
Classification: Likely benign for Familial hemophagocytic lymphohistiocytosis 3. Last evaluated: 2023-01-13. Review status: criteria provided, single submitter. Criteria: Invitae Variant Classification Sherloc (09022015). Collection method: clinical testing. Allele origin: germline.

PreventionGenetics, part of Exact Sciences
Classification: Likely benign for UNC13D-related condition. Last evaluated: 2019-04-03. Review status: no assertion criteria provided. Collection method: clinical testing. Allele origin: germline. Not counted in ClinVar's aggregate classification.
Comment: This variant is classified as likely benign based on ACMG/AMP sequence variant interpretation guidelines (Richards et al. 2015 PMID: 25741868, with internal and published modifications).

NM_199242.3(UNC13D):c.3270G>T (p.Pro1090=)

Gene: UNC13D (unc-13 homolog D; minus strand). Cytogenetic location: 17q25.1.
Variant type: single nucleotide variant.
Coding change: c.3270G>T on transcript NM_199242.3 (MANE Select); coding-DNA position 3270, G replaced by T.
Protein change: p.Pro1090=; no amino-acid change (proline 1090 retained).
Molecular consequence: synonymous variant.
Genome position (GRCh38, 1-based): chr17:75,827,968, C>A on the plus strand (G>T on the coding strand, the complement: UNC13D is on the minus strand). VCF-style: chr17-75827968-C-A. GRCh37 (hg19) VCF-style: chr17-73824049-C-A.
Identifiers: ClinVar variation 2823895 (VCV002823895.5), dbSNP rs545430645, ClinGen allele CA501841993.